The following is an entry in ClinVar:

NM_032776.3(JMJD1C):c.1151C>T (p.Ser384Leu)

Gene: JMJD1C (jumonji domain containing 1C; minus strand). Cytogenetic location: 10q21.3.
Variant type: single nucleotide variant.
Coding change: c.1151C>T on transcript NM_032776.3 (MANE Select); coding-DNA position 1151, C replaced by T.
Protein change: p.Ser384Leu; replaces serine 384 with leucine.
Molecular consequence: missense variant. On other transcripts: non-coding transcript variant (1).
Genome position (GRCh38, 1-based): chr10:63,215,016, G>A on the plus strand (C>T on the coding strand, the complement: JMJD1C is on the minus strand). VCF-style: chr10-63215016-G-A. GRCh37 (hg19) VCF-style: chr10-64974776-G-A.
Other names: c.605C>T, p.Ser202Leu (NM_001282948.2, NM_001318154.2); c.287C>T, p.Ser96Leu (NM_001318153.2); c.1037C>T, p.Ser346Leu (NM_001322252.2); c.494C>T, p.Ser165Leu (NM_001322254.2, NM_001322258.2); short protein forms S165L, S202L, S346L, S384L, S96L.
Identifiers: ClinVar variation 1018307 (VCV001018307.9), dbSNP rs1847815193, ClinGen allele CA377050443.

ClinVar aggregate classification (germline): Uncertain significance (1 of 4 stars; one submission).

Conditions:
Early Myoclonic Encephalopathy. Identifiers: MedGen C0270855.

gnomAD v4.1: 1 of 1,601,912 alleles (0.000062%); no homozygotes.

Submission:

Labcorp Genetics (formerly Invitae), Labcorp
Classification: Uncertain significance for Early Myoclonic Encephalopathy. Last evaluated: 2020-07-30. Review status: criteria provided, single submitter. Criteria: Invitae Variant Classification Sherloc (09022015). Collection method: clinical testing. Allele origin: germline.
Comment: In summary, the available evidence is currently insufficient to determine the role of this variant in disease. Therefore, it has been classified as a Variant of Uncertain Significance. Algorithms developed to predict the effect of missense changes on protein structure and function are either unavailable or do not agree on the potential impact of this missense change (SIFT: "Deleterious"; PolyPhen-2: "Benign"; Align-GVGD: "Class C0"). This variant has not been reported in the literature in individuals with JMJD1C-related conditions. This variant is not present in population databases (ExAC no frequency). This sequence change replaces serine with leucine at codon 384 of the JMJD1C protein (p.Ser384Leu). The serine residue is moderately conserved and there is a large physicochemical difference between serine and leucine.